The following is an entry in ClinVar:

ClinVar aggregate classification (germline): Likely benign (0 of 4 stars; one submission).

Conditions:
VWA2-related disorder. Also called: VWA2-related condition.

Allele frequency attached by ClinVar (database versions not stated): ExAC 0.00001.
gnomAD v4.1: 9 of 1,614,052 alleles (0.00056%); highest among the groups gnomAD compares: East Asian, 0.0045%; no homozygotes.

Submission:

PreventionGenetics, part of Exact Sciences
Classification: Likely benign for VWA2-related condition. Last evaluated: 2019-06-18. Review status: no assertion criteria provided. Collection method: clinical testing. Allele origin: germline.
Comment: This variant is classified as likely benign based on ACMG/AMP sequence variant interpretation guidelines (Richards et al. 2015 PMID: 25741868, with internal and published modifications).

NM_001272046.2(VWA2):c.357G>A (p.Lys119=)

Gene: VWA2 (von Willebrand factor A domain containing 2; plus strand). Cytogenetic location: 10q25.3.
Variant type: single nucleotide variant.
Coding change: c.357G>A on transcript NM_001272046.2 (MANE Select); coding-DNA position 357, G replaced by A.
Protein change: p.Lys119=; no amino-acid change (lysine 119 retained).
Molecular consequence: synonymous variant.
Genome position (GRCh38, 1-based): chr10:114,261,281, G>A. VCF-style: chr10-114261281-G-A. GRCh37 (hg19) VCF-style: chr10-116021040-G-A.
Other names: c.357G>A, p.Lys119= (NM_001320804.1).
Identifiers: ClinVar variation 3033949 (VCV003033949.2), dbSNP rs762498358, ClinGen allele CA5700280.